The following is an entry in ClinVar:

ClinVar aggregate classification (germline): Likely pathogenic. Review status: criteria provided, multiple submitters, no conflicts (2 of 4 stars). 2 submissions from 2 submitters: Likely pathogenic (2). Last evaluated 2024-07-21.

Conditions:
Retinitis pigmentosa 25 (RP25). Identifiers: Orphanet 791, MedGen C1864446, MONDO:0011272, OMIM 602772.

Submissions (2):

Natera, Inc.
Classification: Likely pathogenic for Retinitis pigmentosa type 25. Last evaluated: 2024-07-21. Review status: criteria provided, single submitter. Criteria: Natera Variant Classification Schema (03/2026). Collection method: clinical testing. Allele origin: germline.
Comment: The c.3685-1G>T variant in EYS is a canonical splice acceptor site variant predicted to affect pre-mRNA splicing, which may result in an abnormal transcript and altered protein product. This variant is expected to result in nonsense mediated decay, truncation, or a dysfunctional protein product. This variant is rare in the general population with a frequency below the threshold expected for the associated phenotype(s). Given the available evidence, this variant is classified as Likely Pathogenic.

Baylor Genetics
Classification: Likely pathogenic for Retinitis pigmentosa 25. Last evaluated: 2023-12-02. Review status: criteria provided, single submitter. Criteria: ACMG Guidelines, 2015. Collection method: clinical testing. Allele origin: unknown.

NM_001142800.2(EYS):c.3685-1G>T

Gene: EYS (EGF-like photoreceptor maintenance factor; minus strand). Cytogenetic location: 6q12.
Variant type: single nucleotide variant.
Coding change: c.3685-1G>T on transcript NM_001142800.2 (MANE Select); the canonical splice acceptor site of the intron before coding-DNA position 3685, G replaced by T.
Molecular consequence: splice acceptor variant.
Genome position (GRCh38, 1-based): chr6:64,593,310, C>A on the plus strand (G>T on the coding strand, the complement: EYS is on the minus strand). VCF-style: chr6-64593310-C-A. GRCh37 (hg19) VCF-style: chr6-65303203-C-A.
Other names: c.3685-1G>T (NM_001292009.2, NM_001142800.1).
Identifiers: ClinVar variation 3241512 (VCV003241512.2), dbSNP rs2533159040.
Genomic context (GRCh38, chr6:64,593,310, plus strand): 5'-GGGAGTTAAACAGGTAATTCTCCTTATTTCATCACCACAAAGAAGCCCAATGGAGCAGGT[C>A]TGCAAATGACAATTACAGTAATTAAATTAAGCTCAGTTTCTTTGTTCCTAAGAGAAATTG-3'